The following is an entry in ClinVar:

ClinVar aggregate classification (germline): Benign/Likely benign. Review status: criteria provided, multiple submitters, no conflicts (2 of 4 stars). 5 submissions from 5 submitters: Benign (1); Likely benign (3). 1 of the submissions does not count toward it. Last evaluated 2026-08-01.

Conditions:
C5-related disorder. Also called: C5-related condition.
Complement component 5 deficiency. Also called: C5 DEFICIENCY. Identifiers: MedGen C0343047, MONDO:0012295, OMIM 609536.
Eculizumab, poor response to. Identifiers: MedGen C3810402, OMIM 615749.

Allele frequency attached by ClinVar (database versions not stated): 1000 Genomes Project 0.00140; ESP Exome Variant Server 0.00008; gnomAD 0.00009 and 0.00026; TOPMed 0.00017; gnomAD exomes 0.00034 and 0.00063; ExAC 0.00078; 1000 Genomes Project 30x 0.00109.
gnomAD v4.1: 561 of 1,609,146 alleles (0.035%); highest among the groups gnomAD compares: South Asian, 0.33%; 8 homozygotes.

Submissions (5):

CeGaT Center for Human Genetics Tuebingen
Classification: Likely benign. Last evaluated: 2026-08-01. Review status: criteria provided, single submitter. Criteria: CeGaT Center For Human Genetics Tuebingen Variant Classification Criteria Version 2. Collection method: clinical testing. Allele origin: germline. Affected: yes. Observed: 4 variant alleles.
Comment: C5: BP4, BS2

Labcorp Genetics (formerly Invitae), Labcorp
Classification: Benign. Last evaluated: 2025-12-25. Review status: criteria provided, single submitter. Criteria: Invitae Variant Classification Sherloc (09022015). Collection method: clinical testing. Allele origin: germline.

Blueprint Genetics
Classification: Likely benign. Last evaluated: 2024-11-20. Review status: criteria provided, single submitter. Criteria: ACMG Guidelines, 2015. Collection method: clinical testing. Allele origin: germline.

Fulgent Genetics
Classification: Likely benign for Complement component 5 deficiency; Eculizumab, poor response to. Last evaluated: 2021-11-27. Review status: criteria provided, single submitter. Criteria: ACMG Guidelines, 2015. Collection method: clinical testing. Allele origin: unknown.

PreventionGenetics, part of Exact Sciences
Classification: Likely benign for C5-related condition. Last evaluated: 2019-04-19. Review status: no assertion criteria provided. Collection method: clinical testing. Allele origin: germline. Not counted in ClinVar's aggregate classification.
Comment: This variant is classified as likely benign based on ACMG/AMP sequence variant interpretation guidelines (Richards et al. 2015 PMID: 25741868, with internal and published modifications).

NM_001735.3(C5):c.3659-6G>A

Gene: C5 (complement C5; minus strand). Cytogenetic location: 9q33.2.
Variant type: single nucleotide variant.
Coding change: c.3659-6G>A on transcript NM_001735.3 (MANE Select); 6 bases into the intron before coding-DNA position 3659, G replaced by A.
Molecular consequence: intron variant.
Genome position (GRCh38, 1-based): chr9:120,976,911, C>T on the plus strand (G>A on the coding strand, the complement: C5 is on the minus strand). VCF-style: chr9-120976911-C-T. GRCh37 (hg19) VCF-style: chr9-123739189-C-T.
Other names: c.3677-6G>A (NM_001317163.2); c.3659-6G>A (NM_001735.2).
Identifiers: ClinVar variation 1616543 (VCV001616543.25), dbSNP rs201384752, ClinGen allele CA5217414.